The following is an entry in ClinVar:

NM_001377.3(DYNC2H1):c.10206+6C>T

Gene: DYNC2H1 (dynein cytoplasmic 2 heavy chain 1; plus strand). Cytogenetic location: 11q22.3.
Variant type: single nucleotide variant.
Coding change: c.10206+6C>T on transcript NM_001377.3 (MANE Select); 6 bases into the intron after coding-DNA position 10206, C replaced by T.
Molecular consequence: intron variant.
Genome position (GRCh38, 1-based): chr11:103,253,454, C>T. VCF-style: chr11-103253454-C-T. GRCh37 (hg19) VCF-style: chr11-103124183-C-T.
Other names: c.10227+6C>T (NM_001080463.2).
Identifiers: ClinVar variation 658753 (VCV000658753.8), dbSNP rs1591478542, ClinGen allele CA915948262.
Genomic context (GRCh38, chr11:103,253,454, plus strand): 5'-TTCCATTGTTACTGAGGTTAACTTTACTACAACAAGAAGTGGATTACGAGGGCAGGTATA[C>T]ATAGATAATAATAATTTACCTTGGAATCTTTTCGAGCTTTATATACCTATTAGACATTGT-3'

ClinVar aggregate classification (germline): Uncertain significance (1 of 4 stars; one submission).

Conditions:
Jeune thoracic dystrophy. Also called: Short-rib thoracic dysplasia; Jeune syndrome; Infantile thoracic dystrophy; Thoracic pelvic phalangeal dystrophy; Jeune's syndrome; Chondroectodermal dysplasia-like syndrome. Identifiers: Orphanet 474, MedGen C0265275, MONDO:0018770.

Allele frequency attached by ClinVar (database versions not stated): TOPMed below 0.00001.

Submission:

Labcorp Genetics (formerly Invitae), Labcorp
Classification: Uncertain significance for Jeune thoracic dystrophy. Last evaluated: 2020-02-18. Review status: criteria provided, single submitter. Criteria: Invitae Variant Classification Sherloc (09022015). Collection method: clinical testing. Allele origin: germline.
Comment: In summary, the available evidence is currently insufficient to determine the role of this variant in disease. Therefore, it has been classified as a Variant of Uncertain Significance. Nucleotide substitutions within the consensus splice site are a relatively common cause of aberrant splicing (PMID: 17576681, 9536098). Algorithms developed to predict the effect of sequence changes on RNA splicing suggest that this variant is not likely to affect RNA splicing, but this prediction has not been confirmed by published transcriptional studies. This variant has not been reported in the literature in individuals with DYNC2H1-related disease. This variant is not present in population databases (ExAC no frequency). This sequence change falls in intron 67 of the DYNC2H1 gene. It does not directly change the encoded amino acid sequence of the DYNC2H1 protein, but it affects a nucleotide within the consensus splice site of the intron.

Literature cited by the submitters: PubMed 17576681; PubMed 9536098.